The following is an entry in ClinVar:

NM_005263.5(GFI1):c.46C>G (p.His16Asp)

Gene: GFI1 (growth factor independent 1 transcriptional repressor; minus strand). Cytogenetic location: 1p22.1.
Variant type: single nucleotide variant.
Coding change: c.46C>G on transcript NM_005263.5 (MANE Select); coding-DNA position 46, C replaced by G.
Protein change: p.His16Asp; replaces histidine 16 with aspartic acid.
Molecular consequence: missense variant.
Genome position (GRCh38, 1-based): chr1:92,483,442, G>C on the plus strand (C>G on the coding strand, the complement: GFI1 is on the minus strand). VCF-style: chr1-92483442-G-C. GRCh37 (hg19) VCF-style: chr1-92948999-G-C.
Other names: c.46C>G, p.His16Asp (NM_001127215.3, NM_001127216.3); c.46C>G (NM_005263.3); short protein forms H16D.
Identifiers: ClinVar variation 1025209 (VCV001025209.9), dbSNP rs772644896, ClinGen allele CA951516.
Genomic context (GRCh38, chr1:92,483,442, plus strand): 5'-TAGGCGCCGGTACATTCTCTAAACGGAGGGAATAGTCTGGTCCTGGGGAGCGCGGCTGGT[G>C]GTAGCTGTGAGCCTTCTTGCTTTTGACGAGAAATGAGCGCGGCATGGTGGTCCGGCACTT-3'
Protein context (NP_005254.2, residues 6-26): LVKSKKAHSY[His16Asp]QPRSPGPDYS

ClinVar aggregate classification (germline): Uncertain significance. Review status: criteria provided, multiple submitters, no conflicts (2 of 4 stars). 2 submissions from 2 submitters: Uncertain significance (2). Last evaluated 2025-10-29.

Conditions:
Neutropenia, severe congenital, 2, autosomal dominant. Identifiers: Orphanet 486, MedGen C2751288, MONDO:0013139, OMIM 613107.

Allele frequency attached by ClinVar (database versions not stated): gnomAD exomes below 0.00001; ExAC 0.00001.

Submissions (2):

Labcorp Genetics (formerly Invitae), Labcorp
Classification: Uncertain significance for Neutropenia, severe congenital, 2, autosomal dominant. Last evaluated: 2025-10-29. Review status: criteria provided, single submitter. Criteria: Invitae Variant Classification Sherloc (09022015). Collection method: clinical testing. Allele origin: germline.
Comment: This sequence change replaces histidine, which is basic and polar, with aspartic acid, which is acidic and polar, at codon 16 of the GFI1 protein (p.His16Asp). This variant is present in population databases (rs772644896, gnomAD 0.0009%). This variant has not been reported in the literature in individuals affected with GFI1-related conditions. ClinVar contains an entry for this variant (Variation ID: 1025209). An algorithm developed to predict the effect of missense changes on protein structure and function (PolyPhen-2) suggests that this variant is likely to be disruptive. In summary, the available evidence is currently insufficient to determine the role of this variant in disease. Therefore, it has been classified as a Variant of Uncertain Significance.

Ambry Genetics
Classification: Uncertain significance. Last evaluated: 2025-05-29. Review status: criteria provided, single submitter. Criteria: Ambry Variant Classification Scheme 2023. Collection method: clinical testing. Allele origin: germline.
Comment: The p.H16D variant (also known as c.46C>G), located in coding exon 1 of the GFI1 gene, results from a C to G substitution at nucleotide position 46. The histidine at codon 16 is replaced by aspartic acid, an amino acid with similar properties. This amino acid position is conserved. In addition, the in silico prediction for this alteration is inconclusive. Based on the available evidence, the clinical significance of this variant remains unclear.